The following is an entry in ClinVar:

ClinVar aggregate classification (germline): Likely benign (0 of 4 stars; one submission).

Conditions:
TMEM94-related disorder. Also called: TMEM94-related condition.

Allele frequency attached by ClinVar (database versions not stated): TOPMed 0.00007; ESP Exome Variant Server 0.00008; gnomAD 0.00024; 1000 Genomes Project 30x 0.00156; 1000 Genomes Project 0.00200.
gnomAD v4.1: 585 of 1,613,806 alleles (0.036%); highest among the groups gnomAD compares: South Asian, 0.59%; 11 homozygotes.

Submission:

PreventionGenetics, part of Exact Sciences
Classification: Likely benign for TMEM94-related condition. Last evaluated: 2019-04-03. Review status: no assertion criteria provided. Collection method: clinical testing. Allele origin: germline.
Comment: This variant is classified as likely benign based on ACMG/AMP sequence variant interpretation guidelines (Richards et al. 2015 PMID: 25741868, with internal and published modifications).

NM_014738.6(TMEM94):c.3303G>A (p.Leu1101=)

Gene: TMEM94 (transmembrane protein 94; plus strand). Cytogenetic location: 17q25.1.
Variant type: single nucleotide variant.
Coding change: c.3303G>A on transcript NM_014738.6 (MANE Select); coding-DNA position 3303, G replaced by A.
Protein change: p.Leu1101=; no amino-acid change (leucine 1101 retained).
Molecular consequence: synonymous variant.
Genome position (GRCh38, 1-based): chr17:75,496,789, G>A. VCF-style: chr17-75496789-G-A. GRCh37 (hg19) VCF-style: chr17-73492870-G-A.
Other names: c.3333G>A, p.Leu1111= (NM_001321148.2); c.3315G>A, p.Leu1105= (NM_001321149.2); c.3255G>A, p.Leu1085= (NM_001351202.2); c.3330G>A, p.Leu1110= (NM_001351203.2).
Identifiers: ClinVar variation 3049365 (VCV003049365.2), dbSNP rs144722615, ClinGen allele CA8762452.
Genomic context (GRCh38, chr17:75,496,789, plus strand): 5'-GGCTCGGCATGCCACCTATGGCATCCGTAAGTGCTTCCTCTTCCTGCTGCAGTGCCAGCT[G>A]ACTCTTGTGGTCATCCAGGTGAGGTGGGGCCCGCACAGGCATTGCCCCCGTGCCACTCAC-3'
Protein context (NP_055553.3, residues 1091-1111): KCFLFLLQCQ[Leu1101=]TLVVIQFLSC